The following is an entry in ClinVar:

NM_017612.5(ZCCHC8):c.1378G>A (p.Glu460Lys)

Gene: ZCCHC8 (zinc finger CCHC-type containing 8; minus strand). Cytogenetic location: 12q24.31.
Variant type: single nucleotide variant.
Coding change: c.1378G>A on transcript NM_017612.5 (MANE Select); coding-DNA position 1378, G replaced by A.
Protein change: p.Glu460Lys; replaces glutamic acid 460 with lysine.
Molecular consequence: missense variant.
Genome position (GRCh38, 1-based): chr12:122,474,243, C>T on the plus strand (G>A on the coding strand, the complement: ZCCHC8 is on the minus strand). VCF-style: chr12-122474243-C-T. GRCh37 (hg19) VCF-style: chr12-122958790-C-T.
Other names: c.1147G>A, p.Glu383Lys (NM_001350935.2); c.1081G>A, p.Glu361Lys (NM_001350936.2); c.664G>A, p.Glu222Lys (NM_001350937.2, NM_001350938.2); c.1378G>A (NM_017612.3); short protein forms E361K, E383K, E460K, E222K.
Identifiers: ClinVar variation 1039731 (VCV001039731.9), dbSNP rs748273332, ClinGen allele CA6846182.
Genomic context (GRCh38, chr12:122,474,243, plus strand): 5'-GAGTTCCCCGGGGGAGTGGAGGAGTGTCAGGAGGTAATGGTGGTTGAAACTGAAAACTTT[C>T]GCTGCTCTGAGAACCATGTGGTACCTCCATATCTGAAGTAAGAAAGTTAAGAGATACTTT-3'
Protein context (NP_060082.2, residues 450-470): MEVPHGSQSS[Glu460Lys]SFQFQPPLPP

ClinVar aggregate classification (germline): Uncertain significance. Review status: criteria provided, multiple submitters, no conflicts (2 of 4 stars). 2 submissions from 2 submitters: Uncertain significance (2). Last evaluated 2025-12-02.

Allele frequency attached by ClinVar (database versions not stated): gnomAD exomes 0.00001; ExAC 0.00002; TOPMed 0.00002; gnomAD 0.00004.
gnomAD v4.1: 24 of 1,472,434 alleles (0.0016%); highest among the groups gnomAD compares: African/African-American, 0.0086%; no homozygotes.

Submissions (2):

Ambry Genetics
Classification: Uncertain significance. Last evaluated: 2025-12-02. Review status: criteria provided, single submitter. Criteria: Ambry Variant Classification Scheme 2023. Collection method: clinical testing. Allele origin: germline.

Labcorp Genetics (formerly Invitae), Labcorp
Classification: Uncertain significance. Last evaluated: 2023-11-16. Review status: criteria provided, single submitter. Criteria: Invitae Variant Classification Sherloc (09022015). Collection method: clinical testing. Allele origin: germline.
Comment: This sequence change replaces glutamic acid, which is acidic and polar, with lysine, which is basic and polar, at codon 460 of the ZCCHC8 protein (p.Glu460Lys). The frequency data for this variant in the population databases is considered unreliable, as metrics indicate poor data quality at this position in the gnomAD database. This variant has not been reported in the literature in individuals affected with ZCCHC8-related conditions. ClinVar contains an entry for this variant (Variation ID: 1039731). Advanced modeling of protein sequence and biophysical properties (such as structural, functional, and spatial information, amino acid conservation, physicochemical variation, residue mobility, and thermodynamic stability) performed at Invitae indicates that this missense variant is not expected to disrupt ZCCHC8 protein function with a negative predictive value of 80%. In summary, the available evidence is currently insufficient to determine the role of this variant in disease. Therefore, it has been classified as a Variant of Uncertain Significance.